The following is an entry in ClinVar:

ClinVar aggregate classification (germline): Uncertain significance (1 of 4 stars; one submission).

Conditions:
Primary ciliary dyskinesia. Also called: Ciliary dyskinesia. Identifiers: Orphanet 244, MedGen C0008780, MONDO:0016575, HP:0012265.

Submission:

Labcorp Genetics (formerly Invitae), Labcorp
Classification: Uncertain significance for Primary ciliary dyskinesia. Last evaluated: 2022-07-26. Review status: criteria provided, single submitter. Criteria: Invitae Variant Classification Sherloc (09022015). Collection method: clinical testing. Allele origin: germline.
Comment: This sequence change replaces glutamic acid, which is acidic and polar, with glutamine, which is neutral and polar, at codon 1024 of the RPGR (ORF15) protein (p.Glu1024Gln). This variant is not present in population databases (gnomAD no frequency). This variant has not been reported in the literature in individuals affected with RPGR (ORF15)-related conditions. Experimental studies and prediction algorithms are not available or were not evaluated, and the functional significance of this variant is currently unknown. In summary, the available evidence is currently insufficient to determine the role of this variant in disease. Therefore, it has been classified as a Variant of Uncertain Significance.

NM_001034853.2(RPGR):c.3070G>C (p.Glu1024Gln)

Gene: RPGR (retinitis pigmentosa GTPase regulator; minus strand). Cytogenetic location: Xp11.4.
Variant type: single nucleotide variant.
Coding change: c.3070G>C on transcript NM_001034853.2 (MANE Select); coding-DNA position 3070, G replaced by C.
Protein change: p.Glu1024Gln; replaces glutamic acid 1024 with glutamine.
Molecular consequence: missense variant. On other transcripts: intron variant (8).
Genome position (GRCh38, 1-based): chrX:38,285,929, C>G on the plus strand (G>C on the coding strand, the complement: RPGR is on the minus strand). VCF-style: chrX-38285929-C-G. GRCh37 (hg19) VCF-style: chrX-38145182-C-G.
Other names: c.1569+5030G>C (NM_001367249.1, NM_001367250.1); c.1902+1165G>C (NM_001367245.1); c.1386+5030G>C (NM_001367251.1); c.1719+1165G>C (NM_001367246.1); c.1572+5030G>C (NM_001367247.1); c.1905+1165G>C (NM_000328.3); c.1602+5030G>C (NM_001367248.1); short protein forms E1024Q.
Identifiers: ClinVar variation 2086740 (VCV002086740.4), dbSNP rs1799325384, ClinGen allele CA412729082.